The following is an entry in ClinVar:

ClinVar aggregate classification (germline): Likely pathogenic. Review status: criteria provided, multiple submitters, no conflicts (2 of 4 stars). 4 submissions from 4 submitters: Likely pathogenic (4). Last evaluated 2025-06-03.

Conditions:
Citrullinemia type I (CTNL1). Also called: argininosuccinate synthetase deficiency; ASS DEFICIENCY. Identifiers: Orphanet 247525, MedGen C4721769, MONDO:0008988, OMIM 215700.

Allele frequency attached by ClinVar (database versions not stated): ExAC 0.00001.
gnomAD v4.1: 12 of 1,614,016 alleles (0.00074%); highest among the groups gnomAD compares: Non-Finnish European, 0.001%; no homozygotes.

Submissions (4):

GeneDx
Classification: Likely pathogenic. Last evaluated: 2025-06-03. Review status: criteria provided, single submitter. Criteria: GeneDx Variant Classification Process June 2021. Collection method: clinical testing. Allele origin: germline. Affected: yes.
Comment: Reported with a second ASS1 variant, phase unknown, in a patient with citrullinemia type 1 in published literature (PMID: 27287393); A different missense change at this residue (R272H) has been reported in the published literature and at GeneDx in association with ASS1-related argininosuccinate synthetase deficiency (PMID: 20852933); Not observed at significant frequency in large population cohorts (gnomAD); In silico analysis supports that this missense variant has a deleterious effect on protein structure/function; This variant is associated with the following publications: (PMID: 23780642, 28111830, 20852933, 27287393)

Natera, Inc.
Classification: Likely pathogenic for Citrullinemia type I. Last evaluated: 2024-05-07. Review status: criteria provided, single submitter. Criteria: Natera Variant Classification Schema (03/2026). Collection method: clinical testing. Allele origin: germline.
Comment: The c.815G>T variant in ASS1 is a missense variant predicted to cause substitution of arginine to leucine at amino acid 272. This variant is rare in the general population with a frequency below the threshold expected for the associated phenotype(s). This variant has been observed in one or more individuals affected with the associated recessive disease, as either homozygous or compound heterozygous with a second variant (PMID: 27287393). Functional studies show that this variant may disrupt protein function (PMID: 27287393). A different variant at the same position has been determined to be Pathogenic or Likely Pathogenic. Computational prediction algorithms indicate this variant is likely to affect gene or protein function. Given the available evidence, this variant is classified as Likely Pathogenic.

Fulgent Genetics
Classification: Likely pathogenic for Citrullinemia type I. Last evaluated: 2024-04-10. Review status: criteria provided, single submitter. Criteria: ACMG Guidelines, 2015. Collection method: clinical testing. Allele origin: germline.

Baylor Genetics
Classification: Likely pathogenic for Citrullinemia type I. Last evaluated: 2024-01-08. Review status: criteria provided, single submitter. Criteria: ACMG Guidelines, 2015. Collection method: clinical testing. Allele origin: unknown.

Literature cited by the submitters: PubMed 27287393 (cited by Natera, Inc.).

NM_054012.4(ASS1):c.815G>T (p.Arg272Leu)

Gene: ASS1 (argininosuccinate synthase 1; plus strand). Cytogenetic location: 9q34.11.
Variant type: single nucleotide variant.
Coding change: c.815G>T on transcript NM_054012.4 (MANE Select); coding-DNA position 815, G replaced by T.
Protein change: p.Arg272Leu; replaces arginine 272 with leucine.
Molecular consequence: missense variant.
Genome position (GRCh38, 1-based): chr9:130,480,426, G>T. VCF-style: chr9-130480426-G-T. GRCh37 (hg19) VCF-style: chr9-133355813-G-T.
Other names: c.815G>T, p.Arg272Leu (NM_000050.4); short protein forms R272L.
Identifiers: ClinVar variation 2679049 (VCV002679049.5), dbSNP rs768215008, ClinGen allele CA5283538.
Genomic context (GRCh38, chr9:130,480,426, plus strand): 5'-GGACCAGTTCTTCCCACAGGGGCAAGCATGGCGTGGGCCGTATTGACATCGTGGAGAACC[G>T]CTTCATTGGAATGAAGTCCCGAGGTGAGTCTGCTCAGCCTCCCTCAGGGCCTGCCTCGGG-3'
Protein context (NP_446464.1, residues 262-282): GVGRIDIVEN[Arg272Leu]FIGMKSRGIY